The following is an entry in ClinVar:

ClinVar aggregate classification (germline): Pathogenic (1 of 4 stars; one submission).

Submission:

Labcorp Genetics (formerly Invitae), Labcorp
Classification: Pathogenic. Last evaluated: 2023-11-07. Review status: criteria provided, single submitter. Criteria: Invitae Variant Classification Sherloc (09022015). Collection method: clinical testing. Allele origin: germline.
Comment: This sequence change creates a premature translational stop signal (p.Trp1361*) in the LAMA3 gene. It is expected to result in an absent or disrupted protein product. Loss-of-function variants in LAMA3 are known to be pathogenic (PMID: 10366601, 11810295, 12915477, 16473856, 17362460, 22434185, 23869449, 27827380, 28087116). This variant is not present in population databases (gnomAD no frequency). This variant has not been reported in the literature in individuals affected with LAMA3-related conditions. For these reasons, this variant has been classified as Pathogenic.

Literature cited by the submitters: PubMed 10366601; PubMed 11810295; PubMed 12915477; PubMed 16473856; PubMed 17362460; PubMed 22434185; PubMed 23869449; PubMed 27827380; PubMed 28087116.

NM_198129.4(LAMA3):c.8910G>A (p.Trp2970Ter)

Gene: LAMA3 (laminin subunit alpha 3; plus strand). Cytogenetic location: 18q11.2.
Variant type: single nucleotide variant.
Coding change: c.8910G>A on transcript NM_198129.4 (MANE Select); coding-DNA position 8910, G replaced by A.
Protein change: p.Trp2970Ter; replaces tryptophan 2970 with a stop codon.
Molecular consequence: nonsense.
Genome position (GRCh38, 1-based): chr18:23,939,270, G>A. VCF-style: chr18-23939270-G-A. GRCh37 (hg19) VCF-style: chr18-21519234-G-A.
Other names: c.4083G>A, p.Trp1361Ter (NM_000227.6); c.8742G>A, p.Trp2914Ter (NM_001127717.4); c.3915G>A, p.Trp1305Ter (NM_001127718.4); short protein forms W1361*, W2914*, W2970*, W1305*.
Identifiers: ClinVar variation 2694026 (VCV002694026.3), dbSNP rs2511609488, ClinGen allele CA402048316.